The following is an entry in ClinVar:

NM_015046.7(SETX):c.3525G>A (p.Arg1175=)

Gene: SETX (senataxin; minus strand). Cytogenetic location: 9q34.13.
Variant type: single nucleotide variant.
Coding change: c.3525G>A on transcript NM_015046.7 (MANE Select); coding-DNA position 3525, G replaced by A.
Protein change: p.Arg1175=; no amino-acid change (arginine 1175 retained).
Molecular consequence: synonymous variant.
Genome position (GRCh38, 1-based): chr9:132,328,073, C>T on the plus strand (G>A on the coding strand, the complement: SETX is on the minus strand). VCF-style: chr9-132328073-C-T. GRCh37 (hg19) VCF-style: chr9-135203460-C-T.
Other names: c.3525G>A, p.Arg1175= (NM_001351527.2, NM_001351528.2).
Identifiers: ClinVar variation 724991 (VCV000724991.11), dbSNP rs1353053473, ClinGen allele CA467808030.
Genomic context (GRCh38, chr9:132,328,073, plus strand): 5'-TCCCACAAGATCTCTCTTATTAGTATCAGACTGGCCCTCATTTCTGACAGAAGATGAAGG[C>T]CTCACAGGATCTTCAGCCATTGGTTTTTCAGATCGTTTTCTCTTAGGCTTTTTTACTTCA-3'
Protein context (NP_055861.3, residues 1165-1185): SEKPMAEDPV[Arg1175=]PSSSVRNEGQ

ClinVar aggregate classification (germline): Likely benign. Review status: criteria provided, multiple submitters, no conflicts (2 of 4 stars). 3 submissions from 3 submitters: Likely benign (3). Last evaluated 2025-04-09.

Conditions:
SETX-related disorder. Also called: SETX-related disorders; SETX-related condition. Identifiers: MedGen CN239403.
Spinocerebellar ataxia, autosomal recessive, with axonal neuropathy 2 (SCAN2). Also called: Ataxia with Oculomotor Apraxia; Ataxia with Oculomotor Apraxia Type 2; Ataxia-ocular apraxia-2; ATAXIA-OCULOMOTOR APRAXIA 2. Identifiers: Orphanet 64753, MedGen C1853761, MONDO:0018996, OMIM 606002.
Amyotrophic lateral sclerosis type 4 (ALS4). Also called: NEURONOPATHY, DISTAL HEREDITARY MOTOR, WITH PYRAMIDAL FEATURES; AMYOTROPHIC LATERAL SCLEROSIS 4, JUVENILE. Identifiers: Orphanet 357043, MedGen C1865409, MONDO:0011223, OMIM 602433.

Allele frequency attached by ClinVar (database versions not stated): gnomAD 0.00001; gnomAD exomes 0.00002; TOPMed 0.00002.
gnomAD v4.1: 24 of 1,614,034 alleles (0.0015%); highest among the groups gnomAD compares: African/African-American, 0.0027%; no homozygotes.

Submissions (3):

Women's Health and Genetics/Laboratory Corporation of America, LabCorp
Classification: Likely benign. Last evaluated: 2025-04-09. Review status: criteria provided, single submitter. Criteria: LabCorp Variant Classification Summary - May 2015. Collection method: clinical testing. Allele origin: germline.

PreventionGenetics, part of Exact Sciences
Classification: Likely benign for SETX-related condition. Last evaluated: 2025-03-15. Review status: criteria provided, single submitter. Criteria: ACMG Guidelines, 2015. Collection method: clinical testing. Allele origin: germline.
Comment: This variant is classified as likely benign based on ACMG/AMP sequence variant interpretation guidelines (Richards et al. 2015 PMID: 25741868, with internal and published modifications).

Labcorp Genetics (formerly Invitae), Labcorp
Classification: Likely benign for Amyotrophic lateral sclerosis type 4; Spinocerebellar ataxia, autosomal recessive, with axonal neuropathy 2. Last evaluated: 2022-09-29. Review status: criteria provided, single submitter. Criteria: Invitae Variant Classification Sherloc (09022015). Collection method: clinical testing. Allele origin: germline.